The following is an entry in ClinVar:

ClinVar aggregate classification (germline): Uncertain significance. Review status: criteria provided, multiple submitters, no conflicts (2 of 4 stars). 2 submissions from 2 submitters: Uncertain significance (2). Last evaluated 2023-12-27.

Conditions:
Familial hypocalciuric hypercalcemia (FHH). Also called: Familial benign hypercalcemia. Identifiers: Orphanet 405, MedGen C1809471, MONDO:0018458.
Autosomal dominant hypocalcemia 1 (HYPOC1). Also called: HYPOCALCEMIA, FAMILIAL. Identifiers: MedGen C3715128, MONDO:0011013, OMIM 601198.

Allele frequency attached by ClinVar (database versions not stated): gnomAD exomes below 0.00001.
gnomAD v4.1: 1 of 1,614,150 alleles (0.000062%); highest among the groups gnomAD compares: East Asian, 0.0022%; no homozygotes.

Submissions (2):

GeneDx
Classification: Uncertain significance. Last evaluated: 2023-12-27. Review status: criteria provided, single submitter. Criteria: GeneDx Variant Classification Process June 2021. Collection method: clinical testing. Allele origin: germline. Affected: yes.
Comment: Not observed at significant frequency in large population cohorts (gnomAD); In silico analysis supports that this missense variant does not alter protein structure/function; Has not been previously published as pathogenic or benign to our knowledge

Labcorp Genetics (formerly Invitae), Labcorp
Classification: Uncertain significance for Familial hypocalciuric hypercalcemia; Autosomal dominant hypocalcemia 1. Last evaluated: 2023-08-03. Review status: criteria provided, single submitter. Criteria: Invitae Variant Classification Sherloc (09022015). Collection method: clinical testing. Allele origin: germline.
Comment: In summary, the available evidence is currently insufficient to determine the role of this variant in disease. Therefore, it has been classified as a Variant of Uncertain Significance. An algorithm developed to predict the effect of missense changes on protein structure and function (PolyPhen-2) suggests that this variant is likely to be disruptive. ClinVar contains an entry for this variant (Variation ID: 1361649). This variant has not been reported in the literature in individuals affected with CASR-related conditions. This variant is not present in population databases (gnomAD no frequency). This sequence change replaces serine, which is neutral and polar, with arginine, which is basic and polar, at codon 875 of the CASR protein (p.Ser875Arg).

NM_000388.4(CASR):c.2623A>C (p.Ser875Arg)

Gene: CASR (calcium sensing receptor; plus strand). Cytogenetic location: 3q21.1.
Variant type: single nucleotide variant.
Coding change: c.2623A>C on transcript NM_000388.4 (MANE Select); coding-DNA position 2623, A replaced by C.
Protein change: p.Ser875Arg; replaces serine 875 with arginine.
Molecular consequence: missense variant.
Genome position (GRCh38, 1-based): chr3:122,284,577, A>C. VCF-style: chr3-122284577-A-C. GRCh37 (hg19) VCF-style: chr3-122003424-A-C.
Other names: c.2653A>C, p.Ser885Arg (NM_001178065.2); c.2623A>C (NM_000388.3); short protein forms S875R, S885R.
Identifiers: ClinVar variation 1361649 (VCV001361649.7), dbSNP rs2107650843, ClinGen allele CA354160430.